The following is an entry in ClinVar:

NM_006922.4(SCN3A):c.3795A>C (p.Gln1265His)

Gene: SCN3A (sodium voltage-gated channel alpha subunit 3; minus strand). Cytogenetic location: 2q24.3.
Variant type: single nucleotide variant.
Coding change: c.3795A>C on transcript NM_006922.4 (MANE Select); coding-DNA position 3795, A replaced by C.
Protein change: p.Gln1265His; replaces glutamine 1265 with histidine.
Molecular consequence: missense variant.
Genome position (GRCh38, 1-based): chr2:165,112,933, T>G on the plus strand (A>C on the coding strand, the complement: SCN3A is on the minus strand). VCF-style: chr2-165112933-T-G. GRCh37 (hg19) VCF-style: chr2-165969443-T-G.
Other names: c.3648A>C, p.Gln1216His (NM_001081676.2, NM_001081677.2); short protein forms Q1265H, Q1216H.
Identifiers: ClinVar variation 432287 (VCV000432287.2), dbSNP rs1553519903, ClinGen allele CA349032244.
Genomic context (GRCh38, chr2:165,112,933, plus strand): 5'-TAAAATACTTACATCAACGATCAAGAAATCTAGCCAGCACCAGGCATTAGTGAAATATGT[T>G]TGAAATCCATAAGCAACCCATTTGAGAAGCATTTCCAGAATGAATATATAGGTAAAGACT-3'
Protein context (NP_008853.3, residues 1255-1275): MLLKWVAYGF[Gln1265His]TYFTNAWCWL

ClinVar aggregate classification (germline): Uncertain significance (1 of 4 stars; one submission).

Submission:

GeneDx
Classification: Uncertain significance. Last evaluated: 2017-06-02. Review status: criteria provided, single submitter. Criteria: GeneDx Variant Classification (06012015). Collection method: clinical testing. Allele origin: germline. Affected: yes.
Comment: The Q1265H variant in the SCN3A gene has not been reported previously as a pathogenic variant, nor as a benign variant, to our knowledge. The Q1265H variant is not observed in large population cohorts (Lek et al., 2016; 1000 Genomes Consortium et al., 2015; Exome Variant Server). The Q1265H variant is a semi-conservative amino acid substitution, which may impact secondary protein structure as these residues differ in some properties. This substitution occurs at a position that is conserved in mammals. In silico analysis predicts this variant is probably damaging to the protein structure/function. We interpret Q1265H as a variant of uncertain significance.